The following is an entry in ClinVar:

ClinVar aggregate classification (germline): Likely pathogenic (1 of 4 stars; one submission).

Conditions:
Atelis syndrome 1 (ATELS1). Also called: POOR GROWTH, MICROCEPHALY, DEVELOPMENTAL DELAY, AND ANEMIA; MOSAIC VARIEGATED ANEUPLOIDY SYNDROME 5. Identifiers: MedGen C5774281, MONDO:0859575, OMIM 620184.

Submission:

Department of Pediatrics, GMC Srinagar, Government Medical College Srinagar
Classification: Likely pathogenic for Atelis syndrome 1. Last evaluated: 2026-04-17. Review status: criteria provided, single submitter. Criteria: ACMG Guidelines, 2015. Collection method: clinical testing. Allele origin: biparental. Inheritance: Autosomal recessive inheritance. Affected: yes. Observed: 1 variant allele, 1 homozygote.
Comment: This variant (hg38 - chr10:100916832 C>CTA) is classified as likely pathogenic as it a frameshift indel variant (LOF is mechanism of disease, NMD is predicted) and is absent in population databases [e.g., gnomAD v.4.1.0].

NM_018121.4(SLF2):c.449_450dup (p.Val151fs)

Gene: SLF2 (SMC5/6 complex localization factor 2; plus strand). Cytogenetic location: 10q24.31.
Variant type: Duplication.
Coding change: c.449_450dup on transcript NM_018121.4 (MANE Select); coding-DNA positions 449 to 450, 2 bases duplicated (AT; older notation c.449_450dupAT).
Protein change: p.Val151fs; shifts the reading frame from valine 151.
Molecular consequence: frameshift variant.
Genome position (GRCh38, 1-based): chr10:100,916,834-100,916,835, AT duplicated; duplicating any 2 consecutive bases within chr10:100,916,833-100,916,835 gives the same sequence; the c. name uses the placement nearest the transcript's 3' end. VCF-style (leftmost placement, unchanged base first): chr10-100916832-C-CTA. GRCh37 (hg19) VCF-style: chr10-102676589-C-CTA.
Other names: c.449_450dup, p.Val151fs (NM_001136123.2); short protein forms V151fs.
Identifiers: ClinVar variation 4845205 (VCV004845205.1).